The following is an entry in ClinVar:

NM_001003694.2(BRPF1):c.3002C>T (p.Pro1001Leu)

Gene: BRPF1 (bromodomain and PHD finger containing 1; plus strand). Cytogenetic location: 3p25.3.
Variant type: single nucleotide variant.
Coding change: c.3002C>T on transcript NM_001003694.2 (MANE Select); coding-DNA position 3002, C replaced by T.
Protein change: p.Pro1001Leu; replaces proline 1001 with leucine.
Molecular consequence: missense variant. On other transcripts: non-coding transcript variant (1).
Genome position (GRCh38, 1-based): chr3:9,745,089, C>T. VCF-style: chr3-9745089-C-T. GRCh37 (hg19) VCF-style: chr3-9786773-C-T.
Other names: c.2699C>T, p.Pro900Leu (NM_001319049.2); c.2981C>T, p.Pro994Leu (NM_001319050.2); c.2999C>T, p.Pro1000Leu (NM_001410704.1); c.2984C>T, p.Pro995Leu (NM_004634.3); short protein forms P1000L, P1001L, P900L, P994L, P995L.
Identifiers: ClinVar variation 2573724 (VCV002573724.1), dbSNP rs2471511204, ClinGen allele CA351702887.
Genomic context (GRCh38, chr3:9,745,089, plus strand): 5'-GCGGTGGAAACCAACCAGTGAAGAAGAGTTTCTTGGTATACCGTAATGACTGCAGCCTTC[C>T]CCGGAGCAGCTCAGACTCTGAGTCCAGCAGCAGTAGCAGTAGCAGCGCTGCTTCAGACCG-3'
Protein context (NP_001003694.1, residues 991-1011): FLVYRNDCSL[Pro1001Leu]RSSSDSESSS

ClinVar aggregate classification (germline): Uncertain significance (1 of 4 stars; one submission).

Submission:

GeneDx
Classification: Uncertain significance. Last evaluated: 2023-01-23. Review status: criteria provided, single submitter. Criteria: GeneDx Variant Classification Process June 2021. Collection method: clinical testing. Allele origin: germline. Affected: yes.
Comment: Not observed at significant frequency in large population cohorts (gnomAD); In silico analysis supports that this missense variant has a deleterious effect on protein structure/function; Has not been previously published as pathogenic or benign to our knowledge